The following is an entry in ClinVar:

NM_001165963.4(SCN1A):c.5136C>G (p.Asn1712Lys)

Genes: SCN1A (sodium voltage-gated channel alpha subunit 1; minus strand), LOC102724058 (uncharacterized LOC102724058; plus strand). Cytogenetic location: 2q24.3.
Variant type: single nucleotide variant.
Coding change: c.5136C>G on transcript NM_001165963.4 (MANE Select); coding-DNA position 5136, C replaced by G.
Protein change: p.Asn1712Lys; replaces asparagine 1712 with lysine.
Molecular consequence: missense variant. On other transcripts: non-coding transcript variant (1).
Genome position (GRCh38, 1-based): chr2:165,992,139, G>C on the plus strand (C>G on the coding strand, the complement: SCN1A is on the minus strand). VCF-style: chr2-165992139-G-C. GRCh37 (hg19) VCF-style: chr2-166848649-G-C.
Other names: c.5052C>G, p.Asn1684Lys (NM_001165964.3, NM_001353957.2, NM_001353958.2); c.5136C>G, p.Asn1712Lys (NM_001202435.3, NM_001353948.2); c.5103C>G, p.Asn1701Lys (NM_001353949.2, NM_001353950.2, NM_001353951.2 and 2 more transcripts); c.5100C>G, p.Asn1700Lys (NM_001353954.2, NM_001353955.2); c.5049C>G, p.Asn1683Lys (NM_001353960.2); c.2694C>G, p.Asn898Lys (NM_001353961.2); short protein forms N1683K, N1700K, N1701K, N1712K, N1684K, N898K.
Identifiers: ClinVar variation 1471469 (VCV001471469.9), dbSNP rs2105432013, ClinGen allele CA349068991.

ClinVar aggregate classification (germline): Likely pathogenic (1 of 4 stars; one submission).

Conditions:
Early-infantile DEE. Also called: Ohtahara syndrome; Early infantile epileptic encephalopathy with suppression bursts; Early infantile epileptic encephalopathy. Identifiers: Orphanet 1934, MedGen C0393706, MONDO:0800491.

Submission:

Labcorp Genetics (formerly Invitae), Labcorp
Classification: Likely pathogenic for Early-infantile DEE. Last evaluated: 2021-07-26. Review status: criteria provided, single submitter. Criteria: Invitae Variant Classification Sherloc (09022015). Collection method: clinical testing. Allele origin: germline.
Comment: In summary, the currently available evidence indicates that the variant is pathogenic, but additional data are needed to prove that conclusively. Therefore, this variant has been classified as Likely Pathogenic. Advanced modeling of protein sequence and biophysical properties (such as structural, functional, and spatial information, amino acid conservation, physicochemical variation, residue mobility, and thermodynamic stability) performed at Invitae indicates that this missense variant is expected to disrupt SCN1A protein function. This variant has been observed in individual(s) with Dravet syndrome (PMID: 28012175). This variant is not present in population databases (ExAC no frequency). This sequence change replaces asparagine with lysine at codon 1712 of the SCN1A protein (p.Asn1712Lys). The asparagine residue is highly conserved and there is a moderate physicochemical difference between asparagine and lysine.

Literature cited by the submitters: PubMed 28012175.